The following is an entry in ClinVar:

ClinVar aggregate classification (germline): Uncertain significance (1 of 4 stars; one submission).

Submission:

Women's Health and Genetics/Laboratory Corporation of America, LabCorp
Classification: Uncertain significance. Last evaluated: 2024-07-10. Review status: criteria provided, single submitter. Criteria: LabCorp Variant Classification Summary - May 2015. Collection method: clinical testing. Allele origin: germline.
Comment: Variant summary: CFB c.1534A>G (p.Met512Val) results in a conservative amino acid change located in the Serine proteases, trypsin domain of the encoded protein sequence. Three of five in-silico tools predict a benign effect of the variant on protein function. The variant was absent in 246738 control chromosomes. The available data on variant occurrences in the general population are insufficient to allow any conclusion about variant significance. To our knowledge, no occurrence of c.1534A>G in individuals affected with &phenotype& and no experimental evidence demonstrating its impact on protein function have been reported. No submitters have cited clinical-significance assessments for this variant to ClinVar. Based on the evidence outlined above, the variant was classified as uncertain significance.

NM_001710.6(CFB):c.1534A>G (p.Met512Val)

Gene: CFB (complement factor B; plus strand). Cytogenetic location: 6p21.33.
Variant type: single nucleotide variant.
Coding change: c.1534A>G on transcript NM_001710.6 (MANE Select); coding-DNA position 1534, A replaced by G.
Protein change: p.Met512Val; replaces methionine 512 with valine.
Molecular consequence: missense variant.
Genome position (GRCh38, 1-based): chr6:31,950,313, A>G. VCF-style: chr6-31950313-A-G. GRCh37 (hg19) VCF-style: chr6-31918090-A-G.
Other names: short protein forms M512V.
Identifiers: ClinVar variation 3338960 (VCV003338960.1).
Genomic context (GRCh38, chr6:31,950,313, plus strand): 5'-TTGAGCTTTCCCTCTCTACTGTTGTGTCCCCAGCGCCCTTCAAAGGGACACGAGAGCTGT[A>G]TGGGGGCTGTGGTGTCTGAGTACTTTGTGCTGACAGCAGCACATTGTTTCACTGTGGATG-3'
Protein context (NP_001701.2, residues 502-522): IRPSKGHESC[Met512Val]GAVVSEYFVL